The following is an entry in ClinVar:

ClinVar aggregate classification (germline): Likely benign (0 of 4 stars; one submission).

Conditions:
TRNT1-related disorder. Also called: TRNT1-related disorders; TRNT1-related condition.

Allele frequency attached by ClinVar (database versions not stated): TOPMed below 0.00001; gnomAD 0.00001.
gnomAD v4.1: 1 of 1,613,822 alleles (0.000062%); highest among the groups gnomAD compares: African/African-American, 0.0013%; no homozygotes.

Submission:

PreventionGenetics, part of Exact Sciences
Classification: Likely benign for TRNT1-related condition. Last evaluated: 2019-09-17. Review status: no assertion criteria provided. Collection method: clinical testing. Allele origin: germline.
Comment: This variant is classified as likely benign based on ACMG/AMP sequence variant interpretation guidelines (Richards et al. 2015 PMID: 25741868, with internal and published modifications).

NM_182916.3(TRNT1):c.925T>C (p.Leu309=)

Gene: TRNT1 (tRNA nucleotidyl transferase 1; plus strand). Cytogenetic location: 3p26.2.
Variant type: single nucleotide variant.
Coding change: c.925T>C on transcript NM_182916.3 (MANE Select); coding-DNA position 925, T replaced by C.
Protein change: p.Leu309=; no amino-acid change (leucine 309 retained).
Molecular consequence: synonymous variant. On other transcripts: non-coding transcript variant (8).
Genome position (GRCh38, 1-based): chr3:3,147,572, T>C. VCF-style: chr3-3147572-T-C. GRCh37 (hg19) VCF-style: chr3-3189256-T-C.
Other names: c.865T>C, p.Leu289= (NM_001302946.2); c.925T>C, p.Leu309= (NM_001367321.1, NM_001367322.1, NM_001367323.1).
Identifiers: ClinVar variation 3040524 (VCV003040524.2), dbSNP rs985101465, ClinGen allele CA68734879.